The following is an entry in ClinVar:

ClinVar aggregate classification (germline): Pathogenic. Review status: criteria provided, single submitter (1 of 4 stars). 2 submissions from 2 submitters: Pathogenic (1). 1 of the submissions does not count toward it. Last evaluated 2021-12-19.

Conditions:
Metaphyseal chondrodysplasia, McKusick type (CHH). Also called: Cartilage-hair hypoplasia; Cartilage-Hair Hypoplasia (CHH). Identifiers: Orphanet 175, MedGen C0220748, MONDO:0009595, OMIM 250250.
Anauxetic dysplasia. Identifiers: Orphanet 93347, MedGen C1846796, MONDO:0011773.

Allele frequency attached by ClinVar (database versions not stated): gnomAD exomes below 0.00001.

Submissions (2):

Labcorp Genetics (formerly Invitae), Labcorp
Classification: Pathogenic for Anauxetic dysplasia. Last evaluated: 2021-12-19. Review status: criteria provided, single submitter. Criteria: Invitae Variant Classification Sherloc (09022015). Collection method: clinical testing. Allele origin: germline.
Comment: For these reasons, this variant has been classified as Pathogenic. While functional studies for this variant have not been reported, experimental analyses using patient derived cells, as well as in vitro transfection studies, have shown that promoter insertions result in silencing of RMRP transcription and reduced expression of the gene product (PMID: 11207361, 16254002). ClinVar contains an entry for this variant (Variation ID: 556686). While this particular variant has not been reported in the literature, it is located in the promoter region between the TATA box and the transcription initiation site, and other insertions and duplications immediately upstream of the coding sequence have been reported in individuals affected with cartilage-hair hypoplasia-anauxetic dysplasia (CHH-AD) spectrum disorders (PMID: 16244706, 11207361, 12107819). This variant is not present in population databases (gnomAD no frequency). This variant occurs in the RMRP gene, which encodes an RNA molecule that does not result in a protein product.

Counsyl
Classification: Likely pathogenic for Metaphyseal chondrodysplasia, McKusick type. Last evaluated: 2018-02-13. Review status: no assertion criteria provided. Collection method: clinical testing. Allele origin: unknown. Not counted in ClinVar's aggregate classification.

Literature cited by the submitters: PubMed 11207361 (cited by Labcorp Genetics (formerly Invitae), Labcorp); PubMed 16254002 (cited by Labcorp Genetics (formerly Invitae), Labcorp); PubMed 16244706 (cited by Labcorp Genetics (formerly Invitae), Labcorp); PubMed 12107819 (cited by Labcorp Genetics (formerly Invitae), Labcorp).

NC_000009.12:g.35658022_35658031dup

Gene: RMRP (RNA component of mitochondrial RNA processing endoribonuclease; minus strand). Cytogenetic location: 9p13.3.
Variant type: Duplication.
Genome position: GRCh38 VCF-style: chr9-35658021-G-GTCCTCAGCTT. GRCh37 (hg19) VCF-style: chr9-35658018-G-GTCCTCAGCTT.
Identifiers: ClinVar variation 556686 (VCV000556686.7), dbSNP rs1554651424, ClinGen allele CA658821598.